The following is an entry in ClinVar:

ClinVar aggregate classification (germline): Pathogenic/Likely pathogenic. Review status: criteria provided, multiple submitters, no conflicts (2 of 4 stars). 5 submissions from 5 submitters: Pathogenic (1); Likely pathogenic (1). 3 of the submissions do not count toward it. Last evaluated 2023-06-17.

Conditions:
Muscular dystrophy-dystroglycanopathy (congenital with brain and eye anomalies), type A3. Also called: WALKER-WARBURG SYNDROME OR MUSCLE-EYE-BRAIN DISEASE, POMGNT1-RELATED; Muscular dystrophy-dystroglycanopathy (congenital with brain and eye anomalies), type A, 3; Congenital muscular dystrophy-dystroglycanopathy with brain and eye anomalies, type A3. Identifiers: MedGen C3151519, MONDO:0009667, OMIM 253280.
Muscular dystrophy-dystroglycanopathy. Also called: Congenital muscular dystrophy due to dystroglycanopathy. Identifiers: Orphanet 370953, MedGen C5679911, MONDO:0018276.
Muscle eye brain disease (MEB). Also called: Santavuori congenital muscular dystrophy. Identifiers: Orphanet 588, Orphanet 899, MedGen C0457133, MONDO:0018939.
Muscular dystrophy-dystroglycanopathy (congenital with impaired intellectual development), type B, 3. Also called: MUSCULAR DYSTROPHY, CONGENITAL, POMGNT1-RELATED; Muscular dystrophy-dystroglycanopathy (congenital with intellectual disability), type B3. Identifiers: MedGen C3150412, MONDO:0013155, OMIM 613151.

Allele frequency attached by ClinVar (database versions not stated): gnomAD exomes below 0.00001.
gnomAD v4.1: 1 of 1,614,156 alleles (0.000062%); highest among the groups gnomAD compares: Non-Finnish European, 0.000085%; no homozygotes.

Submissions (7):

Baylor Genetics
Classification: Pathogenic for Muscular dystrophy-dystroglycanopathy (congenital with brain and eye anomalies), type A3. Last evaluated: 2023-06-17. Review status: criteria provided, single submitter. Criteria: ACMG Guidelines, 2015. Collection method: clinical testing. Allele origin: unknown.

Broad Center for Mendelian Genomics, Broad Institute of MIT and Harvard
Classification: Likely pathogenic for Muscular dystrophy-dystroglycanopathy. Last evaluated: 2023-01-24. Review status: criteria provided, single submitter. Criteria: ACMG Guidelines, 2015. Collection method: curation. Allele origin: germline. Inheritance: Autosomal recessive inheritance.
Comment: The c.652+1G>A variant in POMGNT1 has been reported in one individual with muscular dystrophy-dystroglycanopathy (PMID: 17878207), and has been identified in 0.0009% (1/113546) of European (non-Finnish) chromosomes by the Genome Aggregation Database (gnomAD; dbSNP ID: dbSNP ID rs386834035). Although this variant has been seen in the general population in a heterozygous state, its frequency is low enough to be consistent with a recessive carrier frequency. This variant has also been reported in ClinVar (Variation ID #3999) and has been interpreted as pathogenic by OMIM, as probable-pathogenic by Juha Muilu Group; Institute for Molecular Medicine Finland (FIMM), and as likely pathogenic by Counsyl. This variant is located in the 5‚Äô splice region. Computational tools predict a splicing impact, though this information is not predictive enough to determine pathogenicity. Loss of function of POMGNT1 is an established disease mechanism in autosomal recessive POMGNT1-associated muscular dystrophy-dystroglycanopathy. In summary, although additional studies are required to fully establish its clinical significance, this variant is likely pathogenic for autosomal recessive muscular dystrophy-dystroglycanopathy. ACMG/AMP Criteria applied: PVS1, PM2 (Richards 2015).

Counsyl
Classification: Likely pathogenic for Muscular dystrophy-dystroglycanopathy (congenital with brain and eye anomalies), type A3. Last evaluated: 2017-09-05. Review status: no assertion criteria provided. Collection method: clinical testing. Allele origin: unknown. Not counted in ClinVar's aggregate classification.

OMIM
Classification: Pathogenic for MUSCULAR DYSTROPHY-DYSTROGLYCANOPATHY (CONGENITAL WITH IMPAIRED INTELLECTUAL DEVELOPMENT), TYPE B, 3. Last evaluated: 2008-01-01. Review status: no assertion criteria provided. Collection method: literature only. Allele origin: germline. Not counted in ClinVar's aggregate classification.

Dr. Peter K. Rogan Lab, Western University
No classification provided (evidence only). Condition: Ovarian serous cystadenocarcinoma. Review status: no classification provided. Collection method: in vitro. Allele origin: not applicable. Functional consequence: retained intron. Not counted in ClinVar's aggregate classification.

Dr. Peter K. Rogan Lab, Western University
No classification provided (evidence only). Condition: Ovarian serous cystadenocarcinoma. Review status: no classification provided. Collection method: in vitro. Allele origin: not applicable. Functional consequence: retained intron. Not counted in ClinVar's aggregate classification.

Juha Muilu Group; Institute for Molecular Medicine Finland (FIMM)
Classification: Likely pathogenic for Muscle eye brain disease. Review status: no assertion criteria provided. Collection method: not provided. Allele origin: unknown. Not counted in ClinVar's aggregate classification.
Comment: FinDis database variant: This variant was not found or characterized by our laboratory, data were collected from public sources: see reference
ClinVar note: Converted during submission from probable-pathogenic to Likely pathogenic.

Literature cited by the submitters: PubMed 17878207 (cited by Counsyl); PubMed 18195152 (cited by OMIM).

NM_017739.4(POMGNT1):c.652+1G>A

Genes: POMGNT1 (protein O-linked mannose N-acetylglucosaminyltransferase 1 (beta 1,2-); minus strand), TSPAN1 (tetraspanin 1; plus strand). Cytogenetic location: 1p34.1.
Variant type: single nucleotide variant.
Coding change: c.652+1G>A on transcript NM_017739.4 (MANE Select); the canonical splice donor site of the intron after coding-DNA position 652, G replaced by A.
Molecular consequence: splice donor variant.
Genome position (GRCh38, 1-based): chr1:46,194,843, C>T on the plus strand (G>A on the coding strand, the complement: POMGNT1 is on the minus strand). VCF-style: chr1-46194843-C-T. GRCh37 (hg19) VCF-style: chr1-46660515-C-T.
Other names: NC_000001.10:g.46660515C>T; 652+1G-A; c.652+1G>A (NM_001243766.2, NM_001438686.1, NM_001438688.1 and 3 more transcripts); c.586+1G>A (NM_001290129.3, NM_001438691.1, NM_001438692.1); c.223+1G>A (NM_001290130.2).
Identifiers: ClinVar variation 3999 (VCV000003999.9), dbSNP rs386834035, ClinGen allele CA116563.